The following is an entry in ClinVar:

NM_002350.4(LYN):c.454G>A (p.Ala152Thr)

Gene: LYN (LYN proto-oncogene, Src family tyrosine kinase; plus strand). Cytogenetic location: 8q12.1.
Variant type: single nucleotide variant.
Coding change: c.454G>A on transcript NM_002350.4 (MANE Select); coding-DNA position 454, G replaced by A.
Protein change: p.Ala152Thr; replaces alanine 152 with threonine.
Molecular consequence: missense variant.
Genome position (GRCh38, 1-based): chr8:55,950,751, G>A. VCF-style: chr8-55950751-G-A. GRCh37 (hg19) VCF-style: chr8-56863310-G-A.
Other names: c.391G>A, p.Ala131Thr (NM_001111097.3); short protein forms A131T, A152T.
Identifiers: ClinVar variation 4694848 (VCV004694848.1).

ClinVar aggregate classification (germline): Uncertain significance (1 of 4 stars; one submission).

gnomAD v4.1: 13 of 1,613,798 alleles (0.00081%); highest among the groups gnomAD compares: Middle Eastern, 0.033%; no homozygotes.

Submission:

Labcorp Genetics (formerly Invitae), Labcorp
Classification: Uncertain significance. Last evaluated: 2025-09-29. Review status: criteria provided, single submitter. Criteria: Invitae Variant Classification Sherloc (09022015). Collection method: clinical testing. Allele origin: germline.
Comment: This sequence change replaces alanine, which is neutral and non-polar, with threonine, which is neutral and polar, at codon 152 of the LYN protein (p.Ala152Thr). This variant is present in population databases (no rsID available, gnomAD 0.0009%). This variant has not been reported in the literature in individuals affected with LYN-related conditions. An algorithm developed to predict the effect of missense changes on protein structure and function (PolyPhen-2) suggests that this variant is likely to be disruptive. In summary, the available evidence is currently insufficient to determine the role of this variant in disease. Therefore, it has been classified as a Variant of Uncertain Significance.